The following is an entry in ClinVar:

ClinVar aggregate classification (germline): Uncertain significance. Review status: criteria provided, multiple submitters, no conflicts (2 of 4 stars). 3 submissions from 3 submitters: Uncertain significance (3). Last evaluated 2026-04-14.

Conditions:
RECQL4-related disorder. Also called: RECQL4-related disorders; RECQL4-related condition.
Baller-Gerold syndrome (BGS). Also called: CRANIOSYNOSTOSIS WITH RADIAL DEFECTS. Identifiers: Orphanet 1225, MedGen C0265308, MONDO:0009039, OMIM 218600.

Allele frequency attached by ClinVar (database versions not stated): gnomAD exomes 0.00006 and 0.00010; gnomAD 0.00007; TOPMed 0.00009; ExAC 0.00011; ESP Exome Variant Server 0.00024.

Submissions (3):

PreventionGenetics, part of Exact Sciences
Classification: Uncertain significance for RECQL4-related condition. Last evaluated: 2026-04-14. Review status: criteria provided, single submitter. Criteria: ACMG Guidelines, 2015. Collection method: clinical testing. Allele origin: germline.
Comment: The RECQL4 c.2224G>A variant is predicted to result in the amino acid substitution p.Glu742Lys. To our knowledge, this variant has not been reported in the literature. This variant is reported in 0.015% of alleles in individuals of European (Non-Finnish) descent in gnomAD. At this time, the clinical significance of this variant is uncertain due to the absence of conclusive functional and genetic evidence.

Labcorp Genetics (formerly Invitae), Labcorp
Classification: Uncertain significance for Baller-Gerold syndrome. Last evaluated: 2025-11-11. Review status: criteria provided, single submitter. Criteria: Invitae Variant Classification Sherloc (09022015). Collection method: clinical testing. Allele origin: germline.
Comment: This sequence change replaces glutamic acid, which is acidic and polar, with lysine, which is basic and polar, at codon 742 of the RECQL4 protein (p.Glu742Lys). This variant is present in population databases (rs377026680, gnomAD 0.01%). This variant has not been reported in the literature in individuals affected with RECQL4-related conditions. ClinVar contains an entry for this variant (Variation ID: 406923). Invitae Evidence Modeling of protein sequence and biophysical properties (such as structural, functional, and spatial information, amino acid conservation, physicochemical variation, residue mobility, and thermodynamic stability) has been performed for this missense variant. However, the output from this modeling did not meet the statistical confidence thresholds required to predict the impact of this variant on RECQL4 protein function. In summary, the available evidence is currently insufficient to determine the role of this variant in disease. Therefore, it has been classified as a Variant of Uncertain Significance.

Blueprint Genetics
Classification: Uncertain significance. Last evaluated: 2023-06-21. Review status: criteria provided, single submitter. Criteria: ACMG Guidelines, 2015. Collection method: clinical testing. Allele origin: germline.

NM_004260.4(RECQL4):c.2224G>A (p.Glu742Lys)

Gene: RECQL4 (RecQ like helicase 4; minus strand). Cytogenetic location: 8q24.3.
Variant type: single nucleotide variant.
Coding change: c.2224G>A on transcript NM_004260.4 (MANE Select); coding-DNA position 2224, G replaced by A.
Protein change: p.Glu742Lys; replaces glutamic acid 742 with lysine.
Molecular consequence: missense variant.
Genome position (GRCh38, 1-based): chr8:144,513,457, C>T on the plus strand (G>A on the coding strand, the complement: RECQL4 is on the minus strand). VCF-style: chr8-144513457-C-T. GRCh37 (hg19) VCF-style: chr8-145738841-C-T.
Other names: short protein forms E742K.
Identifiers: ClinVar variation 406923 (VCV000406923.10), dbSNP rs377026680, ClinGen allele CA4948377.